The following is an entry in ClinVar:

NM_015426.5(POC1A):c.519C>T (p.Asp173=)

Gene: POC1A (POC1 centriolar protein A; minus strand). Cytogenetic location: 3p21.2.
Variant type: single nucleotide variant.
Coding change: c.519C>T on transcript NM_015426.5 (MANE Select); coding-DNA position 519, C replaced by T.
Protein change: p.Asp173=; no amino-acid change (aspartic acid 173 retained).
Molecular consequence: synonymous variant.
Genome position (GRCh38, 1-based): chr3:52,147,032, G>A on the plus strand (C>T on the coding strand, the complement: POC1A is on the minus strand). VCF-style: chr3-52147032-G-A. GRCh37 (hg19) VCF-style: chr3-52181048-G-A.
Other names: c.519C>T (NM_015426.4); c.519C>T, p.Asp173= (NM_001161580.2); c.405C>T, p.Asp135= (NM_001161581.2).
Identifiers: ClinVar variation 2781597 (VCV002781597.5), dbSNP rs200641941, ClinGen allele CA74715618.
Genomic context (GRCh38, chr3:52,147,032, plus strand): 5'-GCATCTGGGGACTCACCCGCCATGCTCACAATACGAGTGGACACATTCCCGGCTGCTCTT[G>A]TCCCACAGCTTAACAGTCTTGTCATCACTGGCAGACACGATGAGCCGCCCGTCGGGGGAG-3'
Protein context (NP_056241.3, residues 163-183): ASDDKTVKLW[Asp173=]KSSRECVHSY

ClinVar aggregate classification (germline): Likely benign. Review status: criteria provided, single submitter (1 of 4 stars). 2 submissions from 2 submitters: Likely benign (1). 1 of the submissions does not count toward it. Last evaluated 2023-09-17.

Conditions:
POC1A-related disorder. Also called: POC1A-related condition.

Allele frequency attached by ClinVar (database versions not stated): gnomAD 0.00001; gnomAD exomes 0.00001; TOPMed 0.00001; 1000 Genomes Project 30x 0.00031.
gnomAD v4.1: 13 of 1,614,150 alleles (0.00081%); highest among the groups gnomAD compares: East Asian, 0.025%; no homozygotes.

Submissions (2):

Labcorp Genetics (formerly Invitae), Labcorp
Classification: Likely benign. Last evaluated: 2023-09-17. Review status: criteria provided, single submitter. Criteria: Invitae Variant Classification Sherloc (09022015). Collection method: clinical testing. Allele origin: germline.

PreventionGenetics, part of Exact Sciences
Classification: Likely benign for POC1A-related condition. Last evaluated: 2019-06-06. Review status: no assertion criteria provided. Collection method: clinical testing. Allele origin: germline. Not counted in ClinVar's aggregate classification.
Comment: This variant is classified as likely benign based on ACMG/AMP sequence variant interpretation guidelines (Richards et al. 2015 PMID: 25741868, with internal and published modifications).